The following is an entry in ClinVar:

ClinVar aggregate classification (germline): Uncertain significance. Review status: criteria provided, multiple submitters, no conflicts (2 of 4 stars). 2 submissions from 2 submitters: Uncertain significance (2). Last evaluated 2023-12-17.

Conditions:
Rubinstein-Taybi syndrome due to EP300 haploinsufficiency. Also called: RUBINSTEIN-TAYBI SYNDROME 2; EP300-Related Rubinstein-Taybi Syndrome. Identifiers: Orphanet 353284, Orphanet 783, MedGen C3150941, MONDO:0013364, OMIM 613684.

Submissions (2):

GeneDx
Classification: Uncertain significance. Last evaluated: 2023-12-17. Review status: criteria provided, single submitter. Criteria: GeneDx Variant Classification Process June 2021. Collection method: clinical testing. Allele origin: germline. Affected: yes.
Comment: Not observed at significant frequency in large population cohorts (gnomAD); In silico analysis supports that this missense variant does not alter protein structure/function; Has not been previously published as pathogenic or benign to our knowledge

Labcorp Genetics (formerly Invitae), Labcorp
Classification: Uncertain significance for Rubinstein-Taybi syndrome due to EP300 haploinsufficiency. Last evaluated: 2023-03-18. Review status: criteria provided, single submitter. Criteria: Invitae Variant Classification Sherloc (09022015). Collection method: clinical testing. Allele origin: germline.
Comment: This sequence change replaces alanine, which is neutral and non-polar, with glycine, which is neutral and non-polar, at codon 1853 of the EP300 protein (p.Ala1853Gly). This variant is not present in population databases (gnomAD no frequency). Advanced modeling of protein sequence and biophysical properties (such as structural, functional, and spatial information, amino acid conservation, physicochemical variation, residue mobility, and thermodynamic stability) performed at Invitae indicates that this missense variant is not expected to disrupt EP300 protein function. This variant has not been reported in the literature in individuals affected with EP300-related conditions. In summary, the available evidence is currently insufficient to determine the role of this variant in disease. Therefore, it has been classified as a Variant of Uncertain Significance.

NM_001429.4(EP300):c.5558C>G (p.Ala1853Gly)

Gene: EP300 (EP300 lysine acetyltransferase; plus strand). Cytogenetic location: 22q13.2.
Variant type: single nucleotide variant.
Coding change: c.5558C>G on transcript NM_001429.4 (MANE Select); coding-DNA position 5558, C replaced by G.
Protein change: p.Ala1853Gly; replaces alanine 1853 with glycine.
Molecular consequence: missense variant.
Genome position (GRCh38, 1-based): chr22:41,177,269, C>G. VCF-style: chr22-41177269-C-G. GRCh37 (hg19) VCF-style: chr22-41573273-C-G.
Other names: c.5558C>G (NM_001429.3); c.5480C>G, p.Ala1827Gly (NM_001362843.2); short protein forms A1827G, A1853G.
Identifiers: ClinVar variation 2868283 (VCV002868283.4), dbSNP rs922820001, ClinGen allele CA324558688.